The following is an entry in ClinVar:

NM_173728.4(ARHGEF15):c.1495C>T (p.His499Tyr)

Gene: ARHGEF15 (Rho guanine nucleotide exchange factor 15; plus strand). Cytogenetic location: 17p13.1.
Variant type: single nucleotide variant.
Coding change: c.1495C>T on transcript NM_173728.4 (MANE Select); coding-DNA position 1495, C replaced by T.
Protein change: p.His499Tyr; replaces histidine 499 with tyrosine.
Molecular consequence: missense variant.
Genome position (GRCh38, 1-based): chr17:8,315,828, C>T. VCF-style: chr17-8315828-C-T. GRCh37 (hg19) VCF-style: chr17-8219146-C-T.
Other names: c.1495C>T, p.His499Tyr (NM_025014.2); short protein forms H499Y.
Identifiers: ClinVar variation 2973595 (VCV002973595.3), dbSNP rs764789038, ClinGen allele CA8375193.

ClinVar aggregate classification (germline): Uncertain significance (1 of 4 stars; one submission).

Conditions:
Early-infantile DEE. Also called: Ohtahara syndrome; Early infantile epileptic encephalopathy with suppression bursts; Early infantile epileptic encephalopathy. Identifiers: Orphanet 1934, MedGen C0393706, MONDO:0800491.

Allele frequency attached by ClinVar (database versions not stated): gnomAD exomes 0.00001; gnomAD 0.00002; ExAC 0.00001; TOPMed 0.00002.

Submission:

Labcorp Genetics (formerly Invitae), Labcorp
Classification: Uncertain significance for Early-infantile DEE. Last evaluated: 2023-10-13. Review status: criteria provided, single submitter. Criteria: Invitae Variant Classification Sherloc (09022015). Collection method: clinical testing. Allele origin: germline.
Comment: This sequence change replaces histidine, which is basic and polar, with tyrosine, which is neutral and polar, at codon 499 of the ARHGEF15 protein (p.His499Tyr). This variant is present in population databases (rs764789038, gnomAD 0.008%). This variant has not been reported in the literature in individuals affected with ARHGEF15-related conditions. An algorithm developed to predict the effect of missense changes on protein structure and function (PolyPhen-2) suggests that this variant is likely to be disruptive. In summary, the available evidence is currently insufficient to determine the role of this variant in disease. Therefore, it has been classified as a Variant of Uncertain Significance.